The following is an entry in ClinVar:

NM_001130144.3(LTBP3):c.144G>C (p.Glu48Asp)

Gene: LTBP3 (latent transforming growth factor beta binding protein 3; minus strand). Cytogenetic location: 11q13.1.
Variant type: single nucleotide variant.
Coding change: c.144G>C on transcript NM_001130144.3 (MANE Select); coding-DNA position 144, G replaced by C.
Protein change: p.Glu48Asp; replaces glutamic acid 48 with aspartic acid.
Molecular consequence: missense variant. On other transcripts: 5 prime UTR variant (1).
Genome position (GRCh38, 1-based): chr11:65,557,816, C>G on the plus strand (G>C on the coding strand, the complement: LTBP3 is on the minus strand). VCF-style: chr11-65557816-C-G. GRCh37 (hg19) VCF-style: chr11-65325287-C-G.
Other names: c.-204G>C (NM_001164266.1); c.144G>C, p.Glu48Asp (NM_021070.4); short protein forms E48D.
Identifiers: ClinVar variation 1358975 (VCV001358975.8), dbSNP rs559277223, ClinGen allele CA6101289.

ClinVar aggregate classification (germline): Uncertain significance (1 of 4 stars; one submission).

Conditions:
Brachyolmia-amelogenesis imperfecta syndrome. Also called: Tooth agenesis, selective, 6; Dental anomalies and short stature; PLATYSPONDYLY WITH AMELOGENESIS IMPERFECTA. Identifiers: Orphanet 2899, MedGen C1832594, MONDO:0011018, OMIM 601216. Disease mechanism: loss of function.

Allele frequency attached by ClinVar (database versions not stated): gnomAD exomes 0.00001; 1000 Genomes Project 30x 0.00016; 1000 Genomes Project 0.00020.
gnomAD v4.1: 28 of 1,488,194 alleles (0.0019%); highest among the groups gnomAD compares: African/African-American, 0.032%; no homozygotes.

Submission:

Labcorp Genetics (formerly Invitae), Labcorp
Classification: Uncertain significance for Brachyolmia-amelogenesis imperfecta syndrome. Last evaluated: 2025-03-27. Review status: criteria provided, single submitter. Criteria: Invitae Variant Classification Sherloc (09022015). Collection method: clinical testing. Allele origin: germline.
Comment: This sequence change replaces glutamic acid, which is acidic and polar, with aspartic acid, which is acidic and polar, at codon 48 of the LTBP3 protein (p.Glu48Asp). This variant is present in population databases (rs559277223, gnomAD 0.03%). This variant has not been reported in the literature in individuals affected with LTBP3-related conditions. ClinVar contains an entry for this variant (Variation ID: 1358975). Experimental studies and prediction algorithms are not available or were not evaluated, and the functional significance of this variant is currently unknown. In summary, the available evidence is currently insufficient to determine the role of this variant in disease. Therefore, it has been classified as a Variant of Uncertain Significance.